The following is an entry in ClinVar:

ClinVar aggregate classification (germline): Benign/Likely benign. Review status: criteria provided, multiple submitters, no conflicts (2 of 4 stars). 3 submissions from 3 submitters: Benign (1); Likely benign (2). Last evaluated 2024-10-25.

Conditions:
Birt-Hogg-Dube syndrome 1 (BHD1). Also called: FIBROFOLLICULOMAS WITH TRICHODISCOMAS AND ACROCHORDONS. Identifiers: Orphanet 122, MedGen CN375946, MONDO:0800445, OMIM 135150.
Birt-Hogg-Dube syndrome. Also called: Birt Hogg Dubé syndrome. Identifiers: Orphanet 122, MedGen C0346010, MONDO:0800444.
Hereditary cancer-predisposing syndrome. Also called: Hereditary Cancer Syndrome; Neoplastic Syndromes, Hereditary; Hereditary neoplastic syndrome; Tumor predisposition. Identifiers: Orphanet 140162, MedGen C0027672, MeSH D009386, MONDO:0015356.

Submissions (3):

Myriad Genetics, Inc.
Classification: Benign for Birt-Hogg-Dube syndrome 1. Last evaluated: 2024-10-25. Review status: criteria provided, single submitter. Criteria: Myriad Autosomal Dominant, Autosomal Recessive and X-Linked Classification Criteria (2023). Collection method: clinical testing. Allele origin: unknown.
Comment: This variant is considered benign. This variant is a silent/synonymous amino acid change and it is not expected to impact splicing.

Labcorp Genetics (formerly Invitae), Labcorp
Classification: Likely benign for Birt-Hogg-Dube syndrome. Last evaluated: 2024-09-28. Review status: criteria provided, single submitter. Criteria: Invitae Variant Classification Sherloc (09022015). Collection method: clinical testing. Allele origin: germline.

Ambry Genetics
Classification: Likely benign for Hereditary cancer-predisposing syndrome. Last evaluated: 2018-11-29. Review status: criteria provided, single submitter. Criteria: Ambry Variant Classification Scheme 2023. Collection method: clinical testing. Allele origin: germline.

NM_144997.7(FLCN):c.1461A>G (p.Glu487=)

Gene: FLCN (folliculin; minus strand). Cytogenetic location: 17p11.2.
Variant type: single nucleotide variant.
Coding change: c.1461A>G on transcript NM_144997.7 (MANE Select); coding-DNA position 1461, A replaced by G.
Protein change: p.Glu487=; no amino-acid change (glutamic acid 487 retained).
Molecular consequence: synonymous variant.
Genome position (GRCh38, 1-based): chr17:17,215,062, T>C on the plus strand (A>G on the coding strand, the complement: FLCN is on the minus strand). VCF-style: chr17-17215062-T-C. GRCh37 (hg19) VCF-style: chr17-17118376-T-C.
Other names: c.1515A>G, p.Glu505= (NM_001353229.2); c.1461A>G, p.Glu487= (NM_001353230.2, NM_001353231.2).
Identifiers: ClinVar variation 819277 (VCV000819277.12), dbSNP rs1597578928, ClinGen allele CA498421073.